The following is an entry in ClinVar:

NM_001277313.2(FMN1):c.2044-2143G>A

Gene: FMN1 (formin 1; minus strand). Cytogenetic location: 15q13.3.
Variant type: single nucleotide variant.
Coding change: c.2044-2143G>A on transcript NM_001277313.2 (MANE Select); 2143 bases into the intron before coding-DNA position 2044, G replaced by A.
Molecular consequence: intron variant. On other transcripts: missense variant (1).
Genome position (GRCh38, 1-based): chr15:33,067,217, C>T on the plus strand (G>A on the coding strand, the complement: FMN1 is on the minus strand). VCF-style: chr15-33067217-C-T. GRCh37 (hg19) VCF-style: chr15-33359418-C-T.
Other names: c.668G>A (NM_001103184.2); c.668G>A, p.Gly223Asp (NM_001103184.4); short protein forms G223D.
Identifiers: ClinVar variation 2200672 (VCV002200672.6), dbSNP rs200347139, ClinGen allele CA7457299.

ClinVar aggregate classification (germline): Uncertain significance. Review status: criteria provided, multiple submitters, no conflicts (2 of 4 stars). 2 submissions from 2 submitters: Uncertain significance (2). Last evaluated 2025-10-27.

Allele frequency attached by ClinVar (database versions not stated): TOPMed 0.00017; gnomAD 0.00027; ESP Exome Variant Server 0.00032.
gnomAD v4.1: 361 of 1,613,322 alleles (0.022%); highest among the groups gnomAD compares: Non-Finnish European, 0.029%; no homozygotes.

Submissions (3):

Labcorp Genetics (formerly Invitae), Labcorp
Classification: Uncertain significance. Last evaluated: 2025-10-27. Review status: criteria provided, single submitter. Criteria: Invitae Variant Classification Sherloc (09022015). Collection method: clinical testing. Allele origin: germline.
Comment: This sequence change replaces glycine, which is neutral and non-polar, with aspartic acid, which is acidic and polar, at codon 223 of the FMN1 protein (p.Gly223Asp). This variant is present in population databases (rs200347139, gnomAD 0.06%), and has an allele count higher than expected for a pathogenic variant. This variant has not been reported in the literature in individuals affected with FMN1-related conditions. ClinVar contains an entry for this variant (Variation ID: 2200672). Experimental studies and prediction algorithms are not available or were not evaluated, and the functional significance of this variant is currently unknown. In summary, the available evidence is currently insufficient to determine the role of this variant in disease. Therefore, it has been classified as a Variant of Uncertain Significance.

Ambry Genetics
Classification: Uncertain significance. Last evaluated: 2021-07-09. Review status: criteria provided, single submitter. Criteria: Ambry Variant Classification Scheme 2023. Collection method: clinical testing. Allele origin: germline.

Dr. Peter K. Rogan Lab, Western University
No classification provided (evidence only). Condition: Colorectal cancer. Review status: no classification provided. Collection method: in vitro. Allele origin: not applicable. Functional consequence: retained intron. Not counted in ClinVar's aggregate classification.